The following is an entry in ClinVar:

ClinVar aggregate classification (germline): Pathogenic. Review status: criteria provided, multiple submitters, no conflicts (2 of 4 stars). 8 submissions from 8 submitters: Pathogenic (7). 1 of the submissions does not count toward it. Last evaluated 2025-12-16.

Conditions:
IFIH1-related disorder. Also called: IFIH1-related condition.
Aicardi-Goutieres syndrome 7 (AGS7). Identifiers: Orphanet 51, MedGen C3888244, MONDO:0014367, OMIM 615846.
Singleton-Merten syndrome 1 (SGMRT1). Also called: Widened medullary cavities of bone, aortic calcification, abnormal dentition, and muscular weakness; Syndrome of widened medullary cavities of the metacarpals and phalanges, aortic calcification and abnormal dentition. Identifiers: Orphanet 85191, MedGen C4225427, MONDO:0024535, OMIM 182250.

Allele frequency attached by ClinVar (database versions not stated): gnomAD exomes below 0.00001.
gnomAD v4.1: 1 of 1,607,328 alleles (0.000062%); highest among the groups gnomAD compares: Non-Finnish European, 0.000085%; no homozygotes.

Submissions (8):

Dasa
Classification: Pathogenic. Last evaluated: 2025-12-16. Review status: criteria provided, single submitter. Criteria: DASA Assertion Criteria. Collection method: clinical testing. Allele origin: germline.
Comment: NM_022168.4(IFIH1):c.2335C>T (p.Arg779Cys) is a missense variant that results in the substitution of arginine with cysteine. The affected residue or protein region has prior evidence supporting clinical relevance. De novo occurrence has been reported in an individual with related phenotype. Functional evidence supports a deleterious effect on the gene or gene product (PMID: 24686847; PMID: 31898846; PMID: 26833990). This variant has been recurrently observed in individuals with related phenotype (PMID: 24686847; PMID: 31898846; PMID: 26833990). Multiple computational predictions support a deleterious effect on the gene or gene product. The variant is present at low frequency in population datasets. Based on the available data, this variant is classified as pathogenic.

3billion
Classification: Pathogenic for Aicardi-Goutieres syndrome 7. Last evaluated: 2025-07-07. Review status: criteria provided, single submitter. Criteria: ACMG Guidelines, 2015. Collection method: clinical testing. Allele origin: germline. Affected: yes.
Comment: The variant is observed at an extremely low frequency in the gnomAD v4.1.0 dataset (total allele frequency: <0.001%). Predicted Consequence/Location: Missense variant. Missense changes are a common disease-causing mechanism. In silico tool predictions suggest damaging effect of the variant on gene or gene product [REVEL: 0.80 (>=0.6, sensitivity 0.68 and specificity 0.92)]. The same nucleotide change resulting in the same amino acid change has been previously reported as pathogenic/likely pathogenic with strong evidence (ClinVar ID: VCV000137624 /PMID: 24686847). Different missense changes at the same codon (p.Arg779His, p.Arg779Leu) have been reported as pathogenic/likely pathogenic with strong evidence (ClinVar ID: VCV000137622, VCV000812532 /PMID: 24686847, 31898846 /3billion dataset). Therefore, this variant is classified as Pathogenic according to the recommendation of ACMG/AMP guideline.

Laboratoire de Génétique Moléculaire, CHU Bordeaux
Classification: Pathogenic for Aicardi-Goutieres syndrome 7. Last evaluated: 2024-12-20. Review status: criteria provided, single submitter. Criteria: ACMG Guidelines, 2015. Collection method: clinical testing. Allele origin: germline. Affected: yes.

Labcorp Genetics (formerly Invitae), Labcorp
Classification: Pathogenic for Aicardi-Goutieres syndrome 7; Singleton-Merten syndrome 1. Last evaluated: 2023-06-29. Review status: criteria provided, single submitter. Criteria: Invitae Variant Classification Sherloc (09022015). Collection method: clinical testing. Allele origin: germline.
Comment: This sequence change replaces arginine, which is basic and polar, with cysteine, which is neutral and slightly polar, at codon 779 of the IFIH1 protein (p.Arg779Cys). For these reasons, this variant has been classified as Pathogenic. This variant disrupts the p.Arg779 amino acid residue in IFIH1. Other variant(s) that disrupt this residue have been determined to be pathogenic (PMID: 24686847, 24995871). This suggests that this residue is clinically significant, and that variants that disrupt this residue are likely to be disease-causing. Advanced modeling performed at Invitae incorporating data from internal and/or published experimental studies (Invitae) indicates that this missense variant is expected to disrupt IFIH1 function. ClinVar contains an entry for this variant (Variation ID: 137624). This missense change has been observed in individual(s) with Aicardi-Goutieres syndrome (PMID: 24686847, 26833990, 31898846). In at least one individual the variant was observed to be de novo. This variant is not present in population databases (gnomAD no frequency).

GeneDx
Classification: Pathogenic. Last evaluated: 2022-03-28. Review status: criteria provided, single submitter. Criteria: GeneDx Variant Classification Process June 2021. Collection method: clinical testing. Allele origin: germline. Affected: yes.
Comment: Not observed at significant frequency in large population cohorts (gnomAD); In silico analysis supports that this missense variant has a deleterious effect on protein structure/function; This variant is associated with the following publications: (PMID: 31127727, 24686847, 26833990, 25080300, 29321238, 31898846, 33307271)

CeGaT Center for Human Genetics Tuebingen
Classification: Pathogenic. Last evaluated: 2021-09-01. Review status: criteria provided, single submitter. Criteria: CeGaT Center For Human Genetics Tuebingen Variant Classification Criteria Version 2. Collection method: clinical testing. Allele origin: germline. Affected: yes. Observed: 1 variant allele.

Blueprint Genetics
Classification: Pathogenic for IFIH1-related disorders. Last evaluated: 2020-09-26. Review status: criteria provided, single submitter. Criteria: ACMG Guidelines, 2015. Collection method: clinical testing. Allele origin: germline. Affected: yes. Observed: 1 variant allele.

OMIM
Classification: Pathogenic for AICARDI-GOUTIERES SYNDROME 7. Last evaluated: 2014-05-01. Review status: no assertion criteria provided. Collection method: literature only. Allele origin: germline. Not counted in ClinVar's aggregate classification.

Literature cited by the submitters: PubMed 24686847 (cited by 4 submitters); PubMed 31898846 (cited by Dasa and Labcorp Genetics (formerly Invitae), Labcorp); PubMed 26833990 (cited by Dasa and Labcorp Genetics (formerly Invitae), Labcorp); PubMed 24995871 (cited by Labcorp Genetics (formerly Invitae), Labcorp).

NM_022168.4(IFIH1):c.2335C>T (p.Arg779Cys)

Gene: IFIH1 (interferon induced with helicase C domain 1; minus strand). Cytogenetic location: 2q24.2.
Variant type: single nucleotide variant.
Coding change: c.2335C>T on transcript NM_022168.4 (MANE Select); coding-DNA position 2335, C replaced by T.
Protein change: p.Arg779Cys; replaces arginine 779 with cysteine.
Molecular consequence: missense variant.
Genome position (GRCh38, 1-based): chr2:162,273,914, G>A on the plus strand (C>T on the coding strand, the complement: IFIH1 is on the minus strand). VCF-style: chr2-162273914-G-A. GRCh37 (hg19) VCF-style: chr2-163130424-G-A.
Other names: c.2335C>T, p.Arg779Cys (LRG_1235t1); short protein forms R779C.
Identifiers: ClinVar variation 137624 (VCV000137624.50), dbSNP rs587777448, ClinGen allele CA163192.